The following is an entry in ClinVar:

ClinVar aggregate classification (germline): Uncertain significance (1 of 4 stars; one submission).

Conditions:
Hereditary pheochromocytoma and paraganglioma. Also called: Hereditary pheochromocytoma-paraganglioma; Hereditary paragangliomas and pheochromocytomas; Hereditary Paraganglioma-Pheochromocytoma Syndromes. Identifiers: Orphanet 29072, MedGen C4274332, MONDO:0017366.

Submission:

Labcorp Genetics (formerly Invitae), Labcorp
Classification: Uncertain significance for Hereditary pheochromocytoma and paraganglioma. Last evaluated: 2021-08-28. Review status: criteria provided, single submitter. Criteria: Invitae Variant Classification Sherloc (09022015). Collection method: clinical testing. Allele origin: germline.
Comment: This sequence change replaces phenylalanine with serine at codon 34 of the SDHAF2 protein (p.Phe34Ser). The phenylalanine residue is weakly conserved and there is a large physicochemical difference between phenylalanine and serine. This variant is not present in population databases (ExAC no frequency). This variant has not been reported in the literature in individuals affected with SDHAF2-related conditions. Algorithms developed to predict the effect of missense changes on protein structure and function output the following: SIFT: "Tolerated"; PolyPhen-2: "Benign"; Align-GVGD: "Class C0". The serine amino acid residue is found in multiple mammalian species, which suggests that this missense change does not adversely affect protein function. In summary, the available evidence is currently insufficient to determine the role of this variant in disease. Therefore, it has been classified as a Variant of Uncertain Significance.

NM_017841.4(SDHAF2):c.101T>C (p.Phe34Ser)

Gene: SDHAF2 (succinate dehydrogenase complex assembly factor 2; plus strand). Cytogenetic location: 11q12.2.
Variant type: single nucleotide variant.
Coding change: c.101T>C on transcript NM_017841.4 (MANE Select); coding-DNA position 101, T replaced by C.
Protein change: p.Phe34Ser; replaces phenylalanine 34 with serine.
Molecular consequence: missense variant.
Genome position (GRCh38, 1-based): chr11:61,437,689, T>C. VCF-style: chr11-61437689-T-C. GRCh37 (hg19) VCF-style: chr11-61205161-T-C.
Other names: short protein forms F34S.
Identifiers: ClinVar variation 854231 (VCV000854231.7), dbSNP rs1862010056, ClinGen allele CA380683051.
Genomic context (GRCh38, chr11:61,437,689, plus strand): 5'-TTGCTCTGTCAAGGCACAGCCTATTGTCTCCTTTGCTCAGTGTGACATCATTCAGACGCT[T>C]CTACAGAGGTGACAGCCCAACAGATTCCCAAAAGGACATGATTGAAATCCCTTTGCCTCC-3'
Protein context (NP_060311.1, residues 24-44): PLLSVTSFRR[Phe34Ser]YRGDSPTDSQ